The following is an entry in ClinVar:

NM_030624.3(KLHL15):c.1060C>G (p.Pro354Ala)

Gene: KLHL15 (kelch like family member 15; minus strand). Cytogenetic location: Xp22.11.
Variant type: single nucleotide variant.
Coding change: c.1060C>G on transcript NM_030624.3 (MANE Select); coding-DNA position 1060, C replaced by G.
Protein change: p.Pro354Ala; replaces proline 354 with alanine.
Molecular consequence: missense variant.
Genome position (GRCh38, 1-based): chrX:23,988,676, G>C on the plus strand (C>G on the coding strand, the complement: KLHL15 is on the minus strand). VCF-style: chrX-23988676-G-C. GRCh37 (hg19) VCF-style: chrX-24006793-G-C.
Other names: short protein forms P354A.
Identifiers: ClinVar variation 4999502 (VCV004999502.1).
Genomic context (GRCh38, chrX:23,988,676, plus strand): 5'-CAGCAAATTCAGAGCGTGGTACAGACATATCTGCCATCTGCAGCCAGGAGTTCTGTCTCG[G>C]GTCATACCTGAATACTTTGGAAGAAGCATGGAATTCACCATCCGGGCCCAGCTCTTCCCC-3'
Protein context (NP_085127.2, residues 344-364): HASSKVFRYD[Pro354Ala]RQNSWLQMAD

ClinVar aggregate classification (germline): Uncertain significance (1 of 4 stars; one submission).

Conditions:
KLHL15-related disorder. Also called: KLHL15-related condition.

Submission:

PreventionGenetics, part of Exact Sciences
Classification: Uncertain significance for KLHL15-related condition. Last evaluated: 2025-03-14. Review status: criteria provided, single submitter. Criteria: ACMG Guidelines, 2015. Collection method: clinical testing. Allele origin: germline.
Comment: The KLHL15 c.1060C>G variant is predicted to result in the amino acid substitution p.Pro354Ala. To our knowledge, this variant has not been reported in the literature or in a large population database (gnomAD), indicating this variant is rare. At this time, the clinical significance of this variant is uncertain due to the absence of conclusive functional and genetic evidence.